The following is an entry in ClinVar:

NM_002303.6(LEPR):c.2364C>A (p.Ile788=)

Gene: LEPR (leptin receptor; plus strand). Cytogenetic location: 1p31.3.
Variant type: single nucleotide variant.
Coding change: c.2364C>A on transcript NM_002303.6 (MANE Select); coding-DNA position 2364, C replaced by A.
Protein change: p.Ile788=; no amino-acid change (isoleucine 788 retained).
Molecular consequence: synonymous variant.
Genome position (GRCh38, 1-based): chr1:65,618,115, C>A. VCF-style: chr1-65618115-C-A. GRCh37 (hg19) VCF-style: chr1-66083798-C-A.
Other names: c.2364C>A, p.Ile788= (NM_001003679.3, NM_001003680.3, NM_001198687.2 and 2 more transcripts).
Identifiers: ClinVar variation 3355917 (VCV003355917.1).

ClinVar aggregate classification (germline): Likely benign (0 of 4 stars; one submission).

Conditions:
LEPR-related disorder. Also called: LEPR-related condition; LEPR-related disorders.

Submission:

PreventionGenetics, part of Exact Sciences
Classification: Likely benign for LEPR-related condition. Last evaluated: 2023-01-27. Review status: no assertion criteria provided. Collection method: clinical testing. Allele origin: germline.
Comment: This variant is classified as likely benign based on ACMG/AMP sequence variant interpretation guidelines (Richards et al. 2015 PMID: 25741868, with internal and published modifications).